The following is an entry in ClinVar:

ClinVar aggregate classification (germline): Uncertain significance (1 of 4 stars; one submission).

Conditions:
Familial thoracic aortic aneurysm and aortic dissection (TAAD). Also called: Thoracic aortic aneurysms and dissections. Identifiers: Orphanet 91387, MedGen C4707243, MONDO:0019625.

gnomAD v4.1: 1 of 1,614,050 alleles (0.000062%); highest among the groups gnomAD compares: Non-Finnish European, 0.000085%; no homozygotes.

Submission:

Color Diagnostics, LLC DBA Color Health
Classification: Uncertain significance for Familial thoracic aortic aneurysm and aortic dissection. Last evaluated: 2025-06-09. Review status: criteria provided, single submitter. Criteria: ACMG Guidelines, 2015. Collection method: clinical testing. Allele origin: germline.
Comment: This missense variant replaces isoleucine with valine at codon 1078 of the MYH11 protein. Computational prediction suggests that this variant may not impact protein structure and function. To our knowledge, functional studies have not been reported for this variant. This variant has not been reported in individuals affected with MYH11-related disorders in the literature. This variant has not been identified in the general population by the Genome Aggregation Database (gnomAD). The available evidence is insufficient to determine the role of this variant in disease conclusively. Therefore, this variant is classified as a Variant of Uncertain Significance.

NM_002474.3(MYH11):c.3211A>G (p.Ile1071Val)

Gene: MYH11 (myosin heavy chain 11; minus strand). Cytogenetic location: 16p13.11.
Variant type: single nucleotide variant.
Coding change: c.3211A>G on transcript NM_002474.3 (MANE Select); coding-DNA position 3211, A replaced by G.
Protein change: p.Ile1071Val; replaces isoleucine 1071 with valine.
Molecular consequence: missense variant.
Genome position (GRCh38, 1-based): chr16:15,737,531, T>C on the plus strand (A>G on the coding strand, the complement: MYH11 is on the minus strand). VCF-style: chr16-15737531-T-C. GRCh37 (hg19) VCF-style: chr16-15831388-T-C.
Other names: c.3232A>G, p.Ile1078Val (NM_001040113.2, NM_001040114.2); c.3211A>G, p.Ile1071Val (NM_022844.3); short protein forms I1071V, I1078V.
Identifiers: ClinVar variation 4756959 (VCV004756959.1).
Genomic context (GRCh38, chr16:15,737,531, plus strand): 5'-CCTCCTCCTTCTTGGCCAGCTGCATCTTGAGCTCTGCGATCTGCGCCTGGAGGTCAGCGA[T>C]CTGCTCGTGGAAGTCGCTGGCATCACCCTCCAGCTTCCGTTTCAGCTTCTCCAGCTCCTG-3'
Protein context (NP_002465.1, residues 1061-1081): EGDASDFHEQ[Ile1071Val]ADLQAQIAEL